The following is an entry in ClinVar:

NM_000807.4(GABRA2):c.850G>T (p.Val284Leu)

Gene: GABRA2 (gamma-aminobutyric acid type A receptor subunit alpha2; minus strand). Cytogenetic location: 4p12.
Variant type: single nucleotide variant.
Coding change: c.850G>T on transcript NM_000807.4 (MANE Select); coding-DNA position 850, G replaced by T.
Protein change: p.Val284Leu; replaces valine 284 with leucine.
Molecular consequence: missense variant.
Genome position (GRCh38, 1-based): chr4:46,303,466, C>A on the plus strand (G>T on the coding strand, the complement: GABRA2 is on the minus strand). VCF-style: chr4-46303466-C-A. GRCh37 (hg19) VCF-style: chr4-46305483-C-A.
Other names: c.850G>T, p.Val284Leu (NM_001114175.3, NM_001330690.2, NM_001377144.1 and 8 more transcripts); c.685G>T, p.Val229Leu (NM_001286827.3, NM_001377152.1, NM_001377153.1 and 1 more transcripts); short protein forms V229L, V284L.
Identifiers: ClinVar variation 3377080 (VCV003377080.1).

ClinVar aggregate classification (germline): Likely pathogenic (1 of 4 stars; one submission).

Conditions:
Developmental and epileptic encephalopathy, 78. Also called: EPILEPTIC ENCEPHALOPATHY, EARLY INFANTILE, 78. Identifiers: MedGen C5231409, MONDO:0032812, OMIM 618557.

Submission:

Victorian Clinical Genetics Services, Murdoch Childrens Research Institute
Classification: Likely pathogenic for Developmental and epileptic encephalopathy, 78. Last evaluated: 2024-10-09. Review status: criteria provided, single submitter. Criteria: ACMG Guidelines, 2015. Collection method: clinical testing. Allele origin: germline. Inheritance: Autosomal dominant inheritance. Affected: yes.
Comment: Based on the classification scheme VCGS_Germline_v1.3.4, this variant is classified as Likely pathogenic. Following criteria are met: 0105 - The mechanism of disease for this gene is not clearly established. Functional studies on several missense variants have shown a significant reduction in GABA-induced current amplitudes and reduced protein levels and expression at the cell surface suggesting loss of function. However, dominant negative has not been ruled out and another study suggested the variant channels may be trapped in the open state, which could indicate a gain of function mechanism (PMID: 29961870, 31032849). (I) 0107 - This gene is associated with autosomal dominant disease. (I) 0200 - Variant is predicted to result in a missense amino acid change from valine to leucine. (I) 0251 - This variant is heterozygous. (I) 0301 - Variant is absent from gnomAD (both v2 and v3). (SP) 0502 - Missense variant with conflicting in silico predictions and uninformative conservation. (I) 0603 - Missense variant in a region that is highly intolerant to missense variation (high constraint region in DECIPHER). (SP) 0704 - Other variants comparable to the one identified in this case have limited previous evidence for pathogenicity. p.(Val284Met) has be classified as a VUS in ClinVar, while p.(Val284Ala) has been classified as pathogenic in a de novo individual with clinical features including severely cognitive development, seizures and hypotonia (PMID: 31032849). (SP) 0807 - This variant has no previous evidence of pathogenicity. (I) 0905 - No published segregation evidence has been identified for this variant. (I) 1007 - No published functional evidence has been identified for this variant. (SP) Legend: (SP) - Supporting pathogenic, (I) - Information, (SB) - Supporting benign

Literature cited by the submitters: PubMed 29961870; PubMed 31032849.